The following is an entry in ClinVar:

NM_001365951.3(KIF1B):c.167A>T (p.Tyr56Phe)

Gene: KIF1B (kinesin family member 1B; plus strand). Cytogenetic location: 1p36.22.
Variant type: single nucleotide variant.
Coding change: c.167A>T on transcript NM_001365951.3 (MANE Select); coding-DNA position 167, A replaced by T.
Protein change: p.Tyr56Phe; replaces tyrosine 56 with phenylalanine.
Molecular consequence: missense variant.
Genome position (GRCh38, 1-based): chr1:10,256,307, A>T. VCF-style: chr1-10256307-A-T. GRCh37 (hg19) VCF-style: chr1-10316365-A-T.
Other names: c.167A>T, p.Tyr56Phe (NM_001365952.1, NM_001365953.1, NM_015074.3 and 1 more transcripts); short protein forms Y56F.
Identifiers: ClinVar variation 1777863 (VCV001777863.3), dbSNP rs2523454408, ClinGen allele CA338323207.

ClinVar aggregate classification (germline): Uncertain significance (1 of 4 stars; one submission).

Allele frequency attached by ClinVar (database versions not stated): gnomAD exomes below 0.00001.
gnomAD v4.1: 2 of 1,610,582 alleles (0.00012%); highest among the groups gnomAD compares: Non-Finnish European, 0.00017%; no homozygotes.

Submission:

Ambry Genetics
Classification: Uncertain significance. Last evaluated: 2022-10-31. Review status: criteria provided, single submitter. Criteria: Ambry Variant Classification Scheme 2023. Collection method: clinical testing. Allele origin: germline.
Comment: The p.Y56F variant (also known as c.167A>T), located in coding exon 2 of the KIF1B gene, results from an A to T substitution at nucleotide position 167. The tyrosine at codon 56 is replaced by phenylalanine, an amino acid with highly similar properties. This amino acid position is conserved. In addition, the in silico prediction for this alteration is inconclusive. Since supporting evidence is limited at this time, the clinical significance of this alteration remains unclear.